The following is an entry in ClinVar:

NM_001033855.3(DCLRE1C):c.1963T>C (p.Ser655Pro)

Gene: DCLRE1C (DNA cross-link repair 1C; minus strand). Cytogenetic location: 10p13.
Variant type: single nucleotide variant.
Coding change: c.1963T>C on transcript NM_001033855.3 (MANE Select); coding-DNA position 1963, T replaced by C.
Protein change: p.Ser655Pro; replaces serine 655 with proline.
Molecular consequence: missense variant. On other transcripts: intron variant (3), non-coding transcript variant (3).
Genome position (GRCh38, 1-based): chr10:14,908,524, A>G on the plus strand (T>C on the coding strand, the complement: DCLRE1C is on the minus strand). VCF-style: chr10-14908524-A-G. GRCh37 (hg19) VCF-style: chr10-14950523-A-G.
Other names: c.1603T>C, p.Ser535Pro (NM_001033857.3, NM_001033858.3, NM_001289077.2 and 1 more transcripts); c.1422+181T>C (NM_001350967.2); c.1618T>C, p.Ser540Pro (NM_001289076.2, NM_001289078.2, NM_022487.4); c.1437+181T>C (NM_001350966.2); c.1782+181T>C (NM_001350965.2); short protein forms S535P, S540P, S655P.
Identifiers: ClinVar variation 1000828 (VCV001000828.7), dbSNP rs762670101, ClinGen allele CA376074181.

ClinVar aggregate classification (germline): Uncertain significance. Review status: criteria provided, single submitter (1 of 4 stars). 2 submissions from 2 submitters: Uncertain significance (1). 1 of the submissions does not count toward it. Last evaluated 2021-08-20.

Conditions:
Athabaskan severe combined immunodeficiency (SCIDA). Also called: Severe combined immunodeficiency, athabascan-type. Identifiers: MedGen C1865370.
Severe combined immunodeficiency due to DCLRE1C deficiency (RS-SCID). Also called: SCID, AUTOSOMAL RECESSIVE, T CELL-NEGATIVE, B CELL-NEGATIVE, NK CELL-POSITIVE, WITH SENSITIVITY TO IONIZING RADIATION. Identifiers: Orphanet 275, MedGen C1865371, MONDO:0011225, OMIM 602450.

Allele frequency attached by ClinVar (database versions not stated): gnomAD 0.00001.
gnomAD v4.1: 4 of 1,614,130 alleles (0.00025%); highest among the groups gnomAD compares: South Asian, 0.0011%; no homozygotes.

Submissions (2):

Labcorp Genetics (formerly Invitae), Labcorp
Classification: Uncertain significance for Athabaskan severe combined immunodeficiency. Last evaluated: 2021-08-20. Review status: criteria provided, single submitter. Criteria: Invitae Variant Classification Sherloc (09022015). Collection method: clinical testing. Allele origin: germline.
Comment: This sequence change replaces serine with proline at codon 655 of the DCLRE1C protein (p.Ser655Pro). The serine residue is moderately conserved and there is a moderate physicochemical difference between serine and proline. This variant is not present in population databases (ExAC no frequency). This variant has not been reported in the literature in individuals affected with DCLRE1C-related conditions. Algorithms developed to predict the effect of missense changes on protein structure and function output the following: SIFT: "Tolerated"; PolyPhen-2: "Benign"; Align-GVGD: "Class C0". The proline amino acid residue is found in multiple mammalian species, which suggests that this missense change does not adversely affect protein function. In summary, the available evidence is currently insufficient to determine the role of this variant in disease. Therefore, it has been classified as a Variant of Uncertain Significance.

Natera, Inc.
Classification: Uncertain significance for Athabascan severe combined immunodeficiency. Last evaluated: 2020-10-13. Review status: no assertion criteria provided. Collection method: clinical testing. Allele origin: germline. Not counted in ClinVar's aggregate classification.